The following is an entry in ClinVar:

ClinVar aggregate classification (germline): Uncertain significance (1 of 4 stars; one submission).

Conditions:
RASopathy. Also called: rasopathies; Noonan spectrum disorder. Identifiers: Orphanet 536391, MedGen C5555857, MONDO:0021060.

Submission:

Labcorp Genetics (formerly Invitae), Labcorp
Classification: Uncertain significance for RASopathy. Last evaluated: 2024-01-18. Review status: criteria provided, single submitter. Criteria: Invitae Variant Classification Sherloc (09022015). Collection method: clinical testing. Allele origin: germline.
Comment: This sequence change replaces valine, which is neutral and non-polar, with leucine, which is neutral and non-polar, at codon 405 of the SHOC2 protein (p.Val405Leu). This variant is not present in population databases (gnomAD no frequency). This variant has not been reported in the literature in individuals affected with SHOC2-related conditions. Advanced modeling of protein sequence and biophysical properties (such as structural, functional, and spatial information, amino acid conservation, physicochemical variation, residue mobility, and thermodynamic stability) performed at Invitae indicates that this missense variant is not expected to disrupt SHOC2 protein function with a negative predictive value of 80%. In summary, the available evidence is currently insufficient to determine the role of this variant in disease. Therefore, it has been classified as a Variant of Uncertain Significance.

NM_007373.4(SHOC2):c.1213G>C (p.Val405Leu)

Gene: SHOC2 (SHOC2 leucine rich repeat scaffold protein; plus strand). Cytogenetic location: 10q25.2.
Variant type: single nucleotide variant.
Coding change: c.1213G>C on transcript NM_007373.4 (MANE Select); coding-DNA position 1213, G replaced by C.
Protein change: p.Val405Leu; replaces valine 405 with leucine.
Molecular consequence: missense variant. On other transcripts: non-coding transcript variant (1).
Genome position (GRCh38, 1-based): chr10:111,007,582, G>C. VCF-style: chr10-111007582-G-C. GRCh37 (hg19) VCF-style: chr10-112767340-G-C.
Other names: c.1075G>C, p.Val359Leu (NM_001269039.3); c.1213G>C, p.Val405Leu (NM_001324336.2, NM_001324337.2); short protein forms V359L, V405L.
Identifiers: ClinVar variation 2710103 (VCV002710103.3), dbSNP rs1590837794, ClinGen allele CA378523419.